The following is an entry in ClinVar:

NM_018136.5(ASPM):c.9262del (p.Ala3088fs)

Gene: ASPM (assembly factor for spindle microtubules; minus strand). Cytogenetic location: 1q31.3.
Variant type: Deletion.
Coding change: c.9262del on transcript NM_018136.5 (MANE Select); coding-DNA position 9262, one base deleted (G; older notation c.9262delG).
Protein change: p.Ala3088fs; shifts the reading frame from alanine 3088.
Molecular consequence: frameshift variant.
Genome position (GRCh38, 1-based): chr1:197,093,084, C deleted on the plus strand (G on the coding strand, the reverse complement: ASPM is on the minus strand). VCF-style (leftmost placement, unchanged base first): chr1-197093083-GC-G. GRCh37 (hg19) VCF-style: chr1-197062213-GC-G.
Other names: c.4507del, p.Ala1503fs (NM_001206846.2); short protein forms A3088fs, A1503fs.
Identifiers: ClinVar variation 2811238 (VCV002811238.3), dbSNP rs2527269566, ClinGen allele CA2739275491.

ClinVar aggregate classification (germline): Pathogenic (1 of 4 stars; one submission).

Submission:

Labcorp Genetics (formerly Invitae), Labcorp
Classification: Pathogenic. Last evaluated: 2023-12-14. Review status: criteria provided, single submitter. Criteria: Invitae Variant Classification Sherloc (09022015). Collection method: clinical testing. Allele origin: germline.
Comment: This sequence change creates a premature translational stop signal (p.Ala3088Hisfs*7) in the ASPM gene. It is expected to result in an absent or disrupted protein product. Loss-of-function variants in ASPM are known to be pathogenic (PMID: 19028728, 23611254). This variant is not present in population databases (gnomAD no frequency). This variant has not been reported in the literature in individuals affected with ASPM-related conditions. For these reasons, this variant has been classified as Pathogenic.

Literature cited by the submitters: PubMed 19028728; PubMed 23611254.